The following is an entry in ClinVar:

ClinVar aggregate classification (germline): Likely benign. Review status: criteria provided, multiple submitters, no conflicts (2 of 4 stars). 4 submissions from 4 submitters: Likely benign (4). Last evaluated 2025-07-13.

Conditions:
Marfan syndrome (MFS). Also called: Marfan syndrome, classic; Marfan syndrome type 1; Marfan's syndrome; FBN1-Related Marfan Syndrome; MARFAN SYNDROME, TYPE I. Identifiers: Orphanet 284963, Orphanet 558, MedGen C0024796, MONDO:0007947, OMIM 154700.
Familial thoracic aortic aneurysm and aortic dissection (TAAD). Also called: Thoracic aortic aneurysms and dissections. Identifiers: Orphanet 91387, MedGen C4707243, MONDO:0019625.

Allele frequency attached by ClinVar (database versions not stated): gnomAD 0.00001; gnomAD exomes below 0.00001; TOPMed 0.00002.
gnomAD v4.1: 4 of 1,603,336 alleles (0.00025%); highest among the groups gnomAD compares: Non-Finnish European, 0.00026%; no homozygotes.

Submissions (4):

Labcorp Genetics (formerly Invitae), Labcorp
Classification: Likely benign for Marfan syndrome; Familial thoracic aortic aneurysm and aortic dissection. Last evaluated: 2025-07-13. Review status: criteria provided, single submitter. Criteria: Invitae Variant Classification Sherloc (09022015). Collection method: clinical testing. Allele origin: germline.

All of Us Research Program, National Institutes of Health
Classification: Likely benign for Marfan syndrome. Last evaluated: 2023-09-04. Review status: criteria provided, single submitter. Criteria: ACMG Guidelines, 2015. Collection method: clinical testing. Allele origin: germline. Inheritance: Autosomal dominant inheritance. Observed: 1 variant allele, 1 heterozygote.
Comment: This study involves interpretation of variants in research participants for the purpose of population health screening. Participant phenotype was not available at the time of variant classification. Additional details can be found in publication PMID: 35346344, PMCID: PMC8962531

Ambry Genetics
Classification: Likely benign for Familial thoracic aortic aneurysm and aortic dissection. Last evaluated: 2022-12-04. Review status: criteria provided, single submitter. Criteria: Ambry Variant Classification Scheme 2023. Collection method: clinical testing. Allele origin: germline.

Color Diagnostics, LLC DBA Color Health
Classification: Likely benign for Familial thoracic aortic aneurysm and aortic dissection. Last evaluated: 2018-12-03. Review status: criteria provided, single submitter. Criteria: ACMG Guidelines, 2015. Collection method: clinical testing. Allele origin: germline.

NM_000138.5(FBN1):c.855A>G (p.Lys285=)

Gene: FBN1 (fibrillin 1; minus strand). Cytogenetic location: 15q21.1.
Variant type: single nucleotide variant.
Coding change: c.855A>G on transcript NM_000138.5 (MANE Select); coding-DNA position 855, A replaced by G.
Protein change: p.Lys285=; no amino-acid change (lysine 285 retained).
Molecular consequence: synonymous variant.
Genome position (GRCh38, 1-based): chr15:48,534,087, T>C on the plus strand (A>G on the coding strand, the complement: FBN1 is on the minus strand). VCF-style: chr15-48534087-T-C. GRCh37 (hg19) VCF-style: chr15-48826284-T-C.
Identifiers: ClinVar variation 923533 (VCV000923533.13), dbSNP rs1272913373, ClinGen allele CA490028641.